The following is an entry in ClinVar:

ClinVar aggregate classification (germline): Benign/Likely benign. Review status: criteria provided, multiple submitters, no conflicts (2 of 4 stars). 5 submissions from 5 submitters: Benign (1); Likely benign (4). Last evaluated 2026-05-20.

Conditions:
Neurofibromatosis, type 1 (NF1). Also called: NEUROFIBROMATOSIS, TYPE I, SOMATIC; Neurofibromatosis, type I; VON RECKLINGHAUSEN DISEASE; Peripheral type neurofibromatosis. Identifiers: Orphanet 636, MedGen C0027831, MONDO:0018975, OMIM 162200. Disease mechanism: loss of function.
Hereditary cancer-predisposing syndrome. Also called: Hereditary neoplastic syndrome; Neoplastic Syndromes, Hereditary; Hereditary Cancer Syndrome; Tumor predisposition. Identifiers: Orphanet 140162, MedGen C0027672, MeSH D009386, MONDO:0015356.

Allele frequency attached by ClinVar (database versions not stated): ExAC 0.00006; TOPMed 0.00002; gnomAD exomes 0.00003; ESP Exome Variant Server 0.00008; gnomAD 0.00001.
gnomAD v4.1: 46 of 1,613,878 alleles (0.0029%); highest among the groups gnomAD compares: Non-Finnish European, 0.0035%; no homozygotes.

Submissions (5):

Myriad Genetics, Inc.
Classification: Benign for Neurofibromatosis, type 1. Last evaluated: 2026-05-20. Review status: criteria provided, single submitter. Criteria: Myriad Autosomal Dominant, Autosomal Recessive and X-Linked Classification Criteria (2023). Collection method: clinical testing. Allele origin: unknown.
Comment: This variant is considered benign. This variant is a silent/synonymous amino acid change and it is not expected to impact splicing.

Labcorp Genetics (formerly Invitae), Labcorp
Classification: Likely benign for Neurofibromatosis, type 1. Last evaluated: 2026-01-27. Review status: criteria provided, single submitter. Criteria: Invitae Variant Classification Sherloc (09022015). Collection method: clinical testing. Allele origin: germline.

Genome-Nilou Lab
Classification: Likely benign for Neurofibromatosis, type 1. Last evaluated: 2022-03-15. Review status: criteria provided, single submitter. Criteria: ACMG Guidelines, 2015. Collection method: clinical testing. Allele origin: germline. Affected: no.

GeneDx
Classification: Likely benign. Last evaluated: 2018-02-21. Review status: criteria provided, single submitter. Criteria: GeneDx Variant Classification (06012015). Collection method: clinical testing. Allele origin: germline. Affected: yes.
Comment: This variant is considered likely benign or benign based on one or more of the following criteria: it is a conservative change, it occurs at a poorly conserved position in the protein, it is predicted to be benign by multiple in silico algorithms, and/or has population frequency not consistent with disease.

Ambry Genetics
Classification: Likely benign for Hereditary cancer-predisposing syndrome. Last evaluated: 2015-03-09. Review status: criteria provided, single submitter. Criteria: Ambry Autosomal Dominant and X-Linked criteria (10/2015). Collection method: clinical testing. Allele origin: germline. Observed: 1 variant allele.

NM_001042492.3(NF1):c.5649C>T (p.Thr1883=)

Gene: NF1 (neurofibromin 1; plus strand). Cytogenetic location: 17q11.2.
Variant type: single nucleotide variant.
Coding change: c.5649C>T on transcript NM_001042492.3 (MANE Select); coding-DNA position 5649, C replaced by T.
Protein change: p.Thr1883=; no amino-acid change (threonine 1883 retained).
Molecular consequence: synonymous variant.
Genome position (GRCh38, 1-based): chr17:31,330,335, C>T. VCF-style: chr17-31330335-C-T. GRCh37 (hg19) VCF-style: chr17-29657353-C-T.
Other names: c.5586C>T, p.Thr1862= (NM_000267.4).
Identifiers: ClinVar variation 230807 (VCV000230807.15), dbSNP rs139696493, ClinGen allele CA8487211.
Genomic context (GRCh38, chr17:31,330,335, plus strand): 5'-TTCATTTGTGTTTTCTCCTAGGTCAGCTGCCTATAATCTTCTGTGTGCCTTAACTTGTAC[C>T]TTTAATTTAAAAATCGAGGGCCAGTTACTAGAGACATCAGGTTTATGTATCCCTGCCAAC-3'
Protein context (NP_001035957.1, residues 1873-1893): AYNLLCALTC[Thr1883=]FNLKIEGQLL